The following is an entry in ClinVar:

NM_001083538.3(POTEE):c.573C>T (p.Leu191=)

Gene: POTEE (POTE ankyrin domain family member E; plus strand). Cytogenetic location: 2q21.1.
Variant type: single nucleotide variant.
Coding change: c.573C>T on transcript NM_001083538.3 (MANE Select); coding-DNA position 573, C replaced by T.
Protein change: p.Leu191=; no amino-acid change (leucine 191 retained).
Molecular consequence: synonymous variant.
Genome position (GRCh38, 1-based): chr2:131,223,647, C>T. VCF-style: chr2-131223647-C-T. GRCh37 (hg19) VCF-style: chr2-131981220-C-T.
Identifiers: ClinVar variation 4872027 (VCV004872027.2).

ClinVar aggregate classification (germline): Likely benign (1 of 4 stars; one submission).

gnomAD v4.1: 6,500 of 1,611,874 alleles (0.4%); highest among the groups gnomAD compares: Middle Eastern, 0.38%; 28 homozygotes.

Submission:

CeGaT Center for Human Genetics Tuebingen
Classification: Likely benign. Last evaluated: 2026-04-01. Review status: criteria provided, single submitter. Criteria: CeGaT Center For Human Genetics Tuebingen Variant Classification Criteria Version 2. Collection method: clinical testing. Allele origin: germline. Affected: yes. Observed: 1 variant allele.
Comment: POTEE: BP4, BP7